The following is an entry in ClinVar:

ClinVar aggregate classification (germline): Uncertain significance. Review status: criteria provided, multiple submitters, no conflicts (2 of 4 stars). 3 submissions from 3 submitters: Uncertain significance (3). Last evaluated 2024-03-06.

Conditions:
Cardiovascular phenotype. Identifiers: MedGen CN230736.
Familial hypercholesterolemia. Also called: Familial hypercholesterolemias; Familial hypercholesterolaemia. Identifiers: MedGen C0020445, MONDO:0005439.
Hypercholesterolemia, autosomal dominant, 3 (FHCL3). Also called: Familial Hypercholesterolemia, Autosomal Dominant, 3; PCSK9-Related Familial Hypercholesterolemia, Autosomal Dominant; Familial hypercholesterolemia 3. Identifiers: MedGen C1863551, MONDO:0011369, OMIM 603776.

Allele frequency attached by ClinVar (database versions not stated): gnomAD exomes below 0.00001; TOPMed below 0.00001.
gnomAD v4.1: 1 of 1,588,070 alleles (0.000063%); highest among the groups gnomAD compares: Non-Finnish European, 0.000086%; no homozygotes.

Submissions (3):

Color Diagnostics, LLC DBA Color Health
Classification: Uncertain significance for Familial hypercholesterolemia. Last evaluated: 2024-03-06. Review status: criteria provided, single submitter. Criteria: ACMG Guidelines, 2015. Collection method: clinical testing. Allele origin: germline.
Comment: This missense variant replaces arginine with cysteine at codon 303 of the PCSK9 protein. Computational prediction suggests that this variant may not impact protein structure and function (internally defined REVEL score threshold <= 0.5, PMID: 27666373). To our knowledge, functional studies have not been reported for this variant. This variant has not been reported in individuals affected with PCSK9-related disorders in the literature. This variant has not been identified in the general population by the Genome Aggregation Database (gnomAD). The available evidence is insufficient to determine the role of this variant in disease conclusively. Therefore, this variant is classified as a Variant of Uncertain Significance.

All of Us Research Program, National Institutes of Health
Classification: Uncertain significance for Hypercholesterolemia, autosomal dominant, 3. Last evaluated: 2023-08-15. Review status: criteria provided, single submitter. Criteria: ACMG Guidelines, 2015. Collection method: clinical testing. Allele origin: germline. Inheritance: Autosomal dominant inheritance. Observed: 1 variant allele, 1 heterozygote.
Comment: This missense variant replaces arginine with cysteine at codon 303 of the PCSK9 protein. Computational prediction suggests that this variant may not impact protein structure and function (internally defined REVEL score threshold <= 0.5, PMID: 27666373). To our knowledge, functional studies have not been reported for this variant. This variant has not been reported in individuals affected with PCSK9-related disorders in the literature. This variant has not been identified in the general population by the Genome Aggregation Database (gnomAD). The available evidence is insufficient to determine the role of this variant in disease conclusively. Therefore, this variant is classified as a Variant of Uncertain Significance.

This study involves interpretation of variants in research participants for the purpose of population health screening. Participant phenotype was not available at the time of variant classification. Additional details can be found in publication PMID: 35346344, PMCID: PMC8962531

Ambry Genetics
Classification: Uncertain significance for Cardiovascular phenotype. Last evaluated: 2021-11-14. Review status: criteria provided, single submitter. Criteria: Ambry Variant Classification Scheme 2023. Collection method: clinical testing. Allele origin: germline.
Comment: The p.R303C variant (also known as c.907C>T), located in coding exon 6 of the PCSK9 gene, results from a C to T substitution at nucleotide position 907. The arginine at codon 303 is replaced by cysteine, an amino acid with highly dissimilar properties. This amino acid position is conserved. In addition, this alteration is predicted to be tolerated by in silico analysis. Since supporting evidence is limited at this time, the clinical significance of this alteration remains unclear.

NM_174936.4(PCSK9):c.907C>T (p.Arg303Cys)

Gene: PCSK9 (proprotein convertase subtilisin/kexin type 9; plus strand). Cytogenetic location: 1p32.3.
Variant type: single nucleotide variant.
Coding change: c.907C>T on transcript NM_174936.4 (MANE Select); coding-DNA position 907, C replaced by T.
Protein change: p.Arg303Cys; replaces arginine 303 with cysteine.
Molecular consequence: missense variant.
Genome position (GRCh38, 1-based): chr1:55,056,100, C>T. VCF-style: chr1-55056100-C-T. GRCh37 (hg19) VCF-style: chr1-55521773-C-T.
Other names: c.1030C>T, p.Arg344Cys (NM_001407240.1); c.907C>T, p.Arg303Cys (NM_001407241.1, NM_001407244.1, NM_001407247.1); c.910C>T, p.Arg304Cys (NM_001407242.1); c.850C>T, p.Arg284Cys (NM_001407243.1); c.715C>T, p.Arg239Cys (NM_001407245.1); c.532C>T, p.Arg178Cys (NM_001407246.1); short protein forms R178C, R303C, R239C, R284C, R304C, R344C.
Identifiers: ClinVar variation 1765702 (VCV001765702.5), dbSNP rs1644711903, ClinGen allele CA340474784.